The following is an entry in ClinVar:

ClinVar aggregate classification (germline): Pathogenic. Review status: reviewed by expert panel (3 of 4 stars). 3 submissions from 3 submitters: Pathogenic (1). 2 of the submissions do not count toward it. Last evaluated 2016-04-22.

Conditions:
Breast-ovarian cancer, familial, susceptibility to, 1 (BROVCA1). Also called: BRCA1 Hereditary Breast and Ovarian Cancer; OVARIAN CANCER, SUSCEPTIBILITY TO. Identifiers: Orphanet 145, MedGen C2676676, MONDO:0011450, OMIM 604370. Disease mechanism: loss of function.
Hereditary breast ovarian cancer syndrome. Also called: Breast and ovarian cancer; Hereditary breast and ovarian cancer; Hereditary breast and ovarian cancer syndrome; Hereditary breast and/or ovarian cancer syndrome; BRCA1- and BRCA2-Associated Hereditary Breast and Ovarian Cancer; Hereditary breast and ovarian cancer syndrome (HBOC). Identifiers: Orphanet 145, MedGen C0677776, MeSH D061325, MONDO:0003582. Disease mechanism: loss of function.

Submissions (3):

Evidence-based Network for the Interpretation of Germline Mutant Alleles (ENIGMA)
Classification: Pathogenic for Breast-ovarian cancer, familial, susceptibility to, 1. Last evaluated: 2016-04-22. Review status: reviewed by expert panel. Criteria: ENIGMA BRCA1/2 Classification Criteria (2015). Collection method: curation. Allele origin: germline.
Comment: Variant allele predicted to encode a truncated non-functional protein.

Consortium of Investigators of Modifiers of BRCA1/2 (CIMBA), c/o University of Cambridge
Classification: Pathogenic for Breast-ovarian cancer, familial, susceptibility to, 1. Last evaluated: 2015-10-02. Review status: criteria provided, single submitter. Criteria: CIMBA Mutation Classification guidelines May 2016. Collection method: clinical testing. Allele origin: germline. Not counted in ClinVar's aggregate classification.

Research Molecular Genetics Laboratory, Women's College Hospital, University of Toronto
Classification: Pathogenic for Hereditary breast ovarian cancer syndrome. Last evaluated: 2014-01-31. Review status: no assertion criteria provided. Collection method: research. Allele origin: germline. Affected: yes. Study: The Canadian Open Genetics Repository (COGR). Not counted in ClinVar's aggregate classification.

NM_007294.4(BRCA1):c.2562_2563insGC (p.Gln855fs)

Gene: BRCA1 (BRCA1 DNA repair associated; minus strand). Cytogenetic location: 17q21.31.
Variant type: Insertion.
Coding change: c.2562_2563insGC on transcript NM_007294.4 (MANE Select); coding-DNA positions 2562 to 2563, GC inserted.
Protein change: p.Gln855fs; shifts the reading frame from glutamine 855.
Molecular consequence: frameshift variant. On other transcripts: intron variant (137).
Genome position: GRCh38 VCF-style: chr17-43092968-G-GGC. GRCh37 (hg19) VCF-style: chr17-41244985-G-GGC.
Other names: 2681_2682insGC; c.2421_2422insGC, p.Gln808fs (NM_001407944.1, NM_001407945.1, NM_007297.4 and 29 more transcripts); c.2229_2230insGC, p.Gln744fs (NM_001407946.1, NM_001407947.1, NM_001407948.1 and 6 more transcripts); c.2226_2227insGC, p.Gln743fs (NM_001407954.1, NM_001407955.1, NM_001407956.1 and 1 more transcripts); c.2181_2182insGC, p.Gln728fs (NM_001407959.1, NM_001407960.1, NM_001407963.1); c.2178_2179insGC, p.Gln727fs (NM_001407962.1); c.2418_2419insGC, p.Gln807fs (NM_001407964.1, NM_001407740.1, NM_001407741.1 and 20 more transcripts); c.2058_2059insGC, p.Gln687fs (NM_001407965.1); and 42 more; short protein forms Q808fs, Q855fs, Q559fs, Q687fs, Q727fs, Q744fs, Q784fs, Q788fs.
Identifiers: ClinVar variation 236268 (VCV000236268.4), dbSNP rs878853290, ClinGen allele CA10581602.